The following is an entry in ClinVar:

ClinVar aggregate classification (germline): Likely benign (0 of 4 stars; one submission).

Conditions:
TNFRSF25-related disorder. Also called: TNFRSF25-related condition.

Allele frequency attached by ClinVar (database versions not stated): ExAC 0.00002; TOPMed 0.00010.

Submission:

PreventionGenetics, part of Exact Sciences
Classification: Likely benign for TNFRSF25-related condition. Last evaluated: 2019-07-10. Review status: no assertion criteria provided. Collection method: clinical testing. Allele origin: germline.
Comment: This variant is classified as likely benign based on ACMG/AMP sequence variant interpretation guidelines (Richards et al. 2015 PMID: 25741868, with internal and published modifications).

NM_003790.3(TNFRSF25):c.108C>T (p.Ala36=)

Gene: TNFRSF25 (TNF receptor superfamily member 25; minus strand). Cytogenetic location: 1p36.31.
Variant type: single nucleotide variant.
Coding change: c.108C>T on transcript NM_003790.3 (MANE Select); coding-DNA position 108, C replaced by T.
Protein change: p.Ala36=; no amino-acid change (alanine 36 retained).
Molecular consequence: synonymous variant.
Genome position (GRCh38, 1-based): chr1:6,465,492, G>A on the plus strand (C>T on the coding strand, the complement: TNFRSF25 is on the minus strand). VCF-style: chr1-6465492-G-A. GRCh37 (hg19) VCF-style: chr1-6525552-G-A.
Other names: c.108C>T, p.Ala36= (NM_001039664.2, NM_148965.2, NM_148966.2 and 2 more transcripts).
Identifiers: ClinVar variation 3049400 (VCV003049400.2), dbSNP rs756964447, ClinGen allele CA560953.